The following is an entry in ClinVar:

NM_032608.7(MYO18B):c.3926A>G (p.Lys1309Arg)

Gene: MYO18B (myosin XVIIIB; plus strand). Cytogenetic location: 22q12.1.
Variant type: single nucleotide variant.
Coding change: c.3926A>G on transcript NM_032608.7 (MANE Select); coding-DNA position 3926, A replaced by G.
Protein change: p.Lys1309Arg; replaces lysine 1309 with arginine.
Molecular consequence: missense variant.
Genome position (GRCh38, 1-based): chr22:25,868,360, A>G. VCF-style: chr22-25868360-A-G. GRCh37 (hg19) VCF-style: chr22-26264327-A-G.
Other names: c.3929A>G, p.Lys1310Arg (NM_001318245.2); short protein forms K1309R, K1310R.
Identifiers: ClinVar variation 3353697 (VCV003353697.1).

ClinVar aggregate classification (germline): Uncertain significance (0 of 4 stars; one submission).

Conditions:
MYO18B-related disorder. Also called: MYO18B-related condition.

Submission:

PreventionGenetics, part of Exact Sciences
Classification: Uncertain significance for MYO18B-related condition. Last evaluated: 2024-08-24. Review status: no assertion criteria provided. Collection method: clinical testing. Allele origin: germline.
Comment: The MYO18B c.3926A>G variant is predicted to result in the amino acid substitution p.Lys1309Arg. To our knowledge, this variant has not been reported in the literature or in a large population database, indicating this variant is rare. At this time, the clinical significance of this variant is uncertain due to the absence of conclusive functional and genetic evidence.